The following is an entry in ClinVar:

ClinVar aggregate classification (germline): Uncertain significance. Review status: criteria provided, multiple submitters, no conflicts (2 of 4 stars). 3 submissions from 3 submitters: Uncertain significance (3). Last evaluated 2024-04-08.

Conditions:
Hermansky-Pudlak syndrome 9 (HPS9). Identifiers: Orphanet 280663, Orphanet 79430, MedGen C3280026, MONDO:0013606, OMIM 614171.
Inborn genetic diseases. Identifiers: MedGen C0950123, MeSH D030342.

Allele frequency attached by ClinVar (database versions not stated): gnomAD exomes 0.00001; 1000 Genomes Project 30x 0.00016.

Submissions (3):

Fulgent Genetics
Classification: Uncertain significance for Hermansky-Pudlak syndrome 9. Last evaluated: 2024-04-08. Review status: criteria provided, single submitter. Criteria: ACMG Guidelines, 2015. Collection method: clinical testing. Allele origin: germline.

Ambry Genetics
Classification: Uncertain significance for Inborn genetic diseases. Last evaluated: 2023-06-06. Review status: criteria provided, single submitter. Criteria: Ambry Variant Classification Scheme 2023. Collection method: clinical testing. Allele origin: germline.

Labcorp Genetics (formerly Invitae), Labcorp
Classification: Uncertain significance for Hermansky-Pudlak syndrome 9. Last evaluated: 2022-05-22. Review status: criteria provided, single submitter. Criteria: Invitae Variant Classification Sherloc (09022015). Collection method: clinical testing. Allele origin: germline.
Comment: This sequence change replaces glycine, which is neutral and non-polar, with glutamic acid, which is acidic and polar, at codon 23 of the BLOC1S6 protein (p.Gly23Glu). This variant is not present in population databases (gnomAD no frequency). This variant has not been reported in the literature in individuals affected with BLOC1S6-related conditions. Algorithms developed to predict the effect of missense changes on protein structure and function (SIFT, PolyPhen-2, Align-GVGD) all suggest that this variant is likely to be tolerated. In summary, the available evidence is currently insufficient to determine the role of this variant in disease. Therefore, it has been classified as a Variant of Uncertain Significance.

NM_012388.4(BLOC1S6):c.68G>A (p.Gly23Glu)

Gene: BLOC1S6 (biogenesis of lysosomal organelles complex 1 subunit 6; plus strand). Cytogenetic location: 15q21.1.
Variant type: single nucleotide variant.
Coding change: c.68G>A on transcript NM_012388.4 (MANE Select); coding-DNA position 68, G replaced by A.
Protein change: p.Gly23Glu; replaces glycine 23 with glutamic acid.
Molecular consequence: missense variant. On other transcripts: non-coding transcript variant (5).
Genome position (GRCh38, 1-based): chr15:45,587,511, G>A. VCF-style: chr15-45587511-G-A. GRCh37 (hg19) VCF-style: chr15-45879709-G-A.
Other names: c.68G>A (NM_012388.2); short protein forms G23E.
Identifiers: ClinVar variation 1998041 (VCV001998041.4), dbSNP rs1893717804, ClinGen allele CA392297441.